The following is an entry in ClinVar:

ClinVar aggregate classification (germline): Uncertain significance (1 of 4 stars; one submission).

Conditions:
Developmental and epileptic encephalopathy, 27 (DEE27). Also called: GRIN2B-Related Neurodevelopmental Disorder; Epileptic encephalopathy, early infantile, 27. Identifiers: Orphanet 3451, MedGen C4015316, MONDO:0014505, OMIM 616139.
Intellectual developmental disorder, autosomal dominant 6, with or without seizures. Also called: Intellectual disability, autosomal dominant 6; GRIN2B-related developmental delay, intellectual disability and autism spectrum disorder. Identifiers: Orphanet 589547, MedGen C3151411, MONDO:0013509, OMIM 613970.

Allele frequency attached by ClinVar (database versions not stated): gnomAD exomes below 0.00001; ExAC 0.00002.
gnomAD v4.1: 2 of 1,614,006 alleles (0.00012%); highest among the groups gnomAD compares: Admixed American, 0.0033%; no homozygotes.

Submission:

Labcorp Genetics (formerly Invitae), Labcorp
Classification: Uncertain significance for Developmental and epileptic encephalopathy, 27; Intellectual developmental disorder, autosomal dominant 6, with or without seizures. Last evaluated: 2022-07-18. Review status: criteria provided, single submitter. Criteria: Invitae Variant Classification Sherloc (09022015). Collection method: clinical testing. Allele origin: germline.
Comment: This sequence change replaces phenylalanine, which is neutral and non-polar, with valine, which is neutral and non-polar, at codon 1162 of the GRIN2B protein (p.Phe1162Val). This variant is present in population databases (rs774809461, gnomAD 0.006%). This variant has not been reported in the literature in individuals affected with GRIN2B-related conditions. Advanced modeling of protein sequence and biophysical properties (such as structural, functional, and spatial information, amino acid conservation, physicochemical variation, residue mobility, and thermodynamic stability) performed at Invitae indicates that this missense variant is not expected to disrupt GRIN2B protein function. In summary, the available evidence is currently insufficient to determine the role of this variant in disease. Therefore, it has been classified as a Variant of Uncertain Significance.

NM_000834.5(GRIN2B):c.3484T>G (p.Phe1162Val)

Gene: GRIN2B (glutamate ionotropic receptor NMDA type subunit 2B; minus strand). Cytogenetic location: 12p13.1.
Variant type: single nucleotide variant.
Coding change: c.3484T>G on transcript NM_000834.5 (MANE Select); coding-DNA position 3484, T replaced by G.
Protein change: p.Phe1162Val; replaces phenylalanine 1162 with valine.
Molecular consequence: missense variant.
Genome position (GRCh38, 1-based): chr12:13,563,754, A>C on the plus strand (T>G on the coding strand, the complement: GRIN2B is on the minus strand). VCF-style: chr12-13563754-A-C. GRCh37 (hg19) VCF-style: chr12-13716688-A-C.
Other names: c.3484T>G, p.Phe1162Val (NM_001413992.1); short protein forms F1162V.
Identifiers: ClinVar variation 2130908 (VCV002130908.4), dbSNP rs774809461, ClinGen allele CA6460894.